The following is an entry in ClinVar:

ClinVar aggregate classification (germline): Uncertain significance (1 of 4 stars; one submission).

Conditions:
Inborn genetic diseases. Identifiers: MedGen C0950123, MeSH D030342.

Submission:

Ambry Genetics
Classification: Uncertain significance for Inborn genetic diseases. Last evaluated: 2025-05-07. Review status: criteria provided, single submitter. Criteria: Ambry Variant Classification Scheme 2023. Collection method: clinical testing. Allele origin: germline.
Comment: The p.R299K variant (also known as c.896G>A), located in coding exon 5 of the ETV6 gene, results from a G to A substitution at nucleotide position 896. The arginine at codon 299 is replaced by lysine, an amino acid with highly similar properties. This amino acid position is conserved. In addition, this alteration is predicted to be tolerated by in silico analysis. Based on the available evidence, the clinical significance of this variant remains unclear.

NM_001987.5(ETV6):c.896G>A (p.Arg299Lys)

Gene: ETV6 (ETS variant transcription factor 6; plus strand). Cytogenetic location: 12p13.2.
Variant type: single nucleotide variant.
Coding change: c.896G>A on transcript NM_001987.5 (MANE Select); coding-DNA position 896, G replaced by A.
Protein change: p.Arg299Lys; replaces arginine 299 with lysine.
Molecular consequence: missense variant.
Genome position (GRCh38, 1-based): chr12:11,869,856, G>A. VCF-style: chr12-11869856-G-A. GRCh37 (hg19) VCF-style: chr12-12022790-G-A.
Other names: c.893G>A, p.Arg298Lys (NM_001413913.1); c.869G>A, p.Arg290Lys (NM_001413914.1); c.632G>A, p.Arg211Lys (NM_001413915.1); c.896G>A, p.Arg299Lys (NM_001413916.1, NM_001413917.1); short protein forms R290K, R298K, R211K, R299K.
Identifiers: ClinVar variation 4020092 (VCV004020092.1).